The following is an entry in ClinVar:

ClinVar aggregate classification (germline): Uncertain significance (0 of 4 stars; one submission).

Conditions:
JMJD1C-related disorder. Also called: JMJD1C-related condition.

Allele frequency attached by ClinVar (database versions not stated): gnomAD exomes below 0.00001; TOPMed below 0.00001.
gnomAD v4.1: 4 of 1,614,180 alleles (0.00025%); highest among the groups gnomAD compares: Non-Finnish European, 0.00034%; no homozygotes.

Submission:

PreventionGenetics, part of Exact Sciences
Classification: Uncertain significance for JMJD1C-related condition. Last evaluated: 2024-02-09. Review status: no assertion criteria provided. Collection method: clinical testing. Allele origin: germline.
Comment: The JMJD1C c.3976A>G variant is predicted to result in the amino acid substitution p.Lys1326Glu. To our knowledge, this variant has not been reported in the literature or in a large population database, indicating this variant is rare. At this time, the clinical significance of this variant is uncertain due to the absence of conclusive functional and genetic evidence.

NM_032776.3(JMJD1C):c.3976A>G (p.Lys1326Glu)

Gene: JMJD1C (jumonji domain containing 1C; minus strand). Cytogenetic location: 10q21.3.
Variant type: single nucleotide variant.
Coding change: c.3976A>G on transcript NM_032776.3 (MANE Select); coding-DNA position 3976, A replaced by G.
Protein change: p.Lys1326Glu; replaces lysine 1326 with glutamic acid.
Molecular consequence: missense variant. On other transcripts: non-coding transcript variant (1).
Genome position (GRCh38, 1-based): chr10:63,207,693, T>C on the plus strand (A>G on the coding strand, the complement: JMJD1C is on the minus strand). VCF-style: chr10-63207693-T-C. GRCh37 (hg19) VCF-style: chr10-64967453-T-C.
Other names: c.3430A>G, p.Lys1144Glu (NM_001282948.2, NM_001318154.2); c.3112A>G, p.Lys1038Glu (NM_001318153.2); c.3862A>G, p.Lys1288Glu (NM_001322252.2); c.3319A>G, p.Lys1107Glu (NM_001322254.2, NM_001322258.2); short protein forms K1038E, K1107E, K1144E, K1288E, K1326E.
Identifiers: ClinVar variation 3031004 (VCV003031004.2), dbSNP rs1846805838, ClinGen allele CA377039043.